The following is an entry in ClinVar:

NM_000094.4(COL7A1):c.3893G>A (p.Arg1298Lys)

Gene: COL7A1 (collagen type VII alpha 1 chain; minus strand). Cytogenetic location: 3p21.31.
Variant type: single nucleotide variant.
Coding change: c.3893G>A on transcript NM_000094.4 (MANE Select); coding-DNA position 3893, G replaced by A.
Protein change: p.Arg1298Lys; replaces arginine 1298 with lysine.
Molecular consequence: missense variant.
Genome position (GRCh38, 1-based): chr3:48,585,558, C>T on the plus strand (G>A on the coding strand, the complement: COL7A1 is on the minus strand). VCF-style: chr3-48585558-C-T. GRCh37 (hg19) VCF-style: chr3-48622991-C-T.
Other names: short protein forms R1298K.
Identifiers: ClinVar variation 751510 (VCV000751510.17), dbSNP rs530442803, ClinGen allele CA2380346.

ClinVar aggregate classification (germline): Likely benign. Review status: criteria provided, multiple submitters, no conflicts (2 of 4 stars). 5 submissions from 5 submitters: Likely benign (3). 2 of the submissions do not count toward it. Last evaluated 2026-01-28.

Conditions:
Epidermolysis bullosa dystrophica. Also called: Dystrophic epidermolysis bullosa, Hallopeau-Siemens type (formerly); Dystrophic epidermolysis bullosa. Identifiers: Orphanet 303, MedGen C0079294, MONDO:0006543.
COL7A1-related disorder. Also called: COL7A1-related condition; COL7A1- related disorders.
Epidermolysis bullosa dystrophica inversa, autosomal recessive. Identifiers: MedGen C2673612.

Allele frequency attached by ClinVar (database versions not stated): gnomAD 0.00001 and 0.00015; TOPMed 0.00002; gnomAD exomes 0.00034 and 0.00069; 1000 Genomes Project 0.00040; 1000 Genomes Project 30x 0.00047; ExAC 0.00083.
gnomAD v4.1: 510 of 1,613,854 alleles (0.032%); highest among the groups gnomAD compares: South Asian, 0.53%; 6 homozygotes.

Submissions (5):

Labcorp Genetics (formerly Invitae), Labcorp
Classification: Likely benign. Last evaluated: 2026-01-28. Review status: criteria provided, single submitter. Criteria: Invitae Variant Classification Sherloc (09022015). Collection method: clinical testing. Allele origin: germline.

Illumina Laboratory Services, Illumina
Classification: Likely benign for Dystrophic epidermolysis bullosa. Last evaluated: 2018-01-13. Review status: criteria provided, single submitter. Criteria: ICSL Variant Classification Criteria 13 December 2019. Collection method: clinical testing. Allele origin: germline.
Comment: This variant was observed in the ICSL laboratory as part of a predisposition screen in an ostensibly healthy population. It had not been previously curated by ICSL or reported in the Human Gene Mutation Database (HGMD: prior to June 1st, 2018), and was therefore a candidate for classification through an automated scoring system. Utilizing variant allele frequency, disease prevalence and penetrance estimates, and inheritance mode, an automated score was calculated to assess if this variant is too frequent to cause the disease. Based on the score and internal cut-off values, a variant classified as likely benign is not then subjected to further curation. The score for this variant resulted in a classification of likely benign for this disease.

Breakthrough Genomics
Classification: Likely benign. Review status: criteria provided, single submitter. Criteria: ACMG Guidelines, 2015. Collection method: not provided. Allele origin: germline. Inheritance: Autosomal recessive inheritance. Affected: yes.

PreventionGenetics, part of Exact Sciences
Classification: Likely benign for COL7A1-related condition. Last evaluated: 2024-05-22. Review status: no assertion criteria provided. Collection method: clinical testing. Allele origin: germline. Not counted in ClinVar's aggregate classification.
Comment: This variant is classified as likely benign based on ACMG/AMP sequence variant interpretation guidelines (Richards et al. 2015 PMID: 25741868, with internal and published modifications).

Natera, Inc.
Classification: Likely benign for Autosomal recessive epidermolysis bullosa dystrophica inversa. Last evaluated: 2020-01-05. Review status: no assertion criteria provided. Collection method: clinical testing. Allele origin: germline. Not counted in ClinVar's aggregate classification.